The following is an entry in ClinVar:

NM_001042492.3(NF1):c.7672G>A (p.Glu2558Lys)

Gene: NF1 (neurofibromin 1; plus strand). Cytogenetic location: 17q11.2.
Variant type: single nucleotide variant.
Coding change: c.7672G>A on transcript NM_001042492.3 (MANE Select); coding-DNA position 7672, G replaced by A.
Protein change: p.Glu2558Lys; replaces glutamic acid 2558 with lysine.
Molecular consequence: missense variant.
Genome position (GRCh38, 1-based): chr17:31,356,516, G>A. VCF-style: chr17-31356516-G-A. GRCh37 (hg19) VCF-style: chr17-29683534-G-A.
Other names: c.7609G>A, p.Glu2537Lys (NM_000267.4); short protein forms E2537K, E2558K.
Identifiers: ClinVar variation 4800805 (VCV004800805.2).

ClinVar aggregate classification (germline): Uncertain significance. Review status: criteria provided, multiple submitters, no conflicts (2 of 4 stars). 2 submissions from 2 submitters: Uncertain significance (2). Last evaluated 2026-05-17.

Conditions:
Neurofibromatosis, type 1 (NF1). Also called: NEUROFIBROMATOSIS, TYPE I, SOMATIC; Peripheral type neurofibromatosis; VON RECKLINGHAUSEN DISEASE; Neurofibromatosis, type I. Identifiers: Orphanet 636, MedGen C0027831, MONDO:0018975, OMIM 162200. Disease mechanism: loss of function.
Hereditary cancer-predisposing syndrome. Also called: Hereditary neoplastic syndrome; Neoplastic Syndromes, Hereditary; Tumor predisposition; Hereditary Cancer Syndrome. Identifiers: Orphanet 140162, MedGen C0027672, MeSH D009386, MONDO:0015356.
Cardiovascular phenotype. Identifiers: MedGen CN230736.

Submissions (2):

Ambry Genetics
Classification: Uncertain significance for Cardiovascular phenotype; Hereditary cancer-predisposing syndrome. Last evaluated: 2026-05-17. Review status: criteria provided, single submitter. Criteria: Ambry Variant Classification Scheme 2023. Collection method: clinical testing. Allele origin: germline.
Comment: The p.E2537K variant (also known as c.7609G>A), located in coding exon 51 of the NF1 gene, results from a G to A substitution at nucleotide position 7609. The glutamic acid at codon 2537 is replaced by lysine, an amino acid with similar properties. This amino acid position is conserved. In addition, this alteration is predicted to be tolerated by in silico analysis. Based on the available evidence, the clinical significance of this variant remains unclear.

Labcorp Genetics (formerly Invitae), Labcorp
Classification: Uncertain significance for Neurofibromatosis, type 1. Last evaluated: 2025-04-11. Review status: criteria provided, single submitter. Criteria: Invitae Variant Classification Sherloc (09022015). Collection method: clinical testing. Allele origin: germline.
Comment: This sequence change replaces glutamic acid, which is acidic and polar, with lysine, which is basic and polar, at codon 2537 of the NF1 protein (p.Glu2537Lys). This variant is not present in population databases (gnomAD no frequency). This variant has not been reported in the literature in individuals affected with NF1-related conditions. Invitae Evidence Modeling of protein sequence and biophysical properties (such as structural, functional, and spatial information, amino acid conservation, physicochemical variation, residue mobility, and thermodynamic stability) indicates that this missense variant is not expected to disrupt NF1 protein function with a negative predictive value of 95%. In summary, the available evidence is currently insufficient to determine the role of this variant in disease. Therefore, it has been classified as a Variant of Uncertain Significance.